The following is an entry in ClinVar:

NM_001267550.2(TTN):c.66606del (p.Trp22203fs)

Genes: TTN (titin; minus strand), TTN-AS1 (TTN antisense RNA 1; plus strand). Cytogenetic location: 2q31.2.
Variant type: Deletion.
Coding change: c.66606del on transcript NM_001267550.2 (MANE Select); coding-DNA position 66606, one base deleted (C; older notation c.66606delC).
Protein change: p.Trp22203fs; shifts the reading frame from tryptophan 22203.
Molecular consequence: frameshift variant.
Genome position (GRCh38, 1-based): chr2:178,581,662, G deleted on the plus strand (C on the coding strand, the reverse complement: TTN is on the minus strand). VCF-style (leftmost placement, unchanged base first): chr2-178581661-AG-A. GRCh37 (hg19) VCF-style: chr2-179446388-AG-A.
Other names: c.61683del, p.Trp20562fs (NM_001256850.1); c.39411del, p.Trp13138fs (NM_003319.4); c.58902del, p.Trp19635fs (NM_133378.4); c.39786del, p.Trp13263fs (NM_133432.3); c.39987del, p.Trp13330fs (NM_133437.4); c.39411delC (NM_003319.4); short protein forms W13138fs, W22203fs, W13330fs, W13263fs, W19635fs, W20562fs.
Identifiers: ClinVar variation 4193734 (VCV004193734.1).
Genomic context (GRCh38, chr2:178,581,661, plus strand): 5'-TCAGGCCAGTAACCTCAAAGCGGGTTTTCTGTAGATTCTGTGGTAAGTTGCACCTCACCC[AG>A]TTATCGGAGTCAGCCCGTTTTACTTCAACGAGATAACCAATGATAGGGCTGCCGCCGTCA-3'

ClinVar aggregate classification (germline): Likely pathogenic (1 of 4 stars; one submission).

Conditions:
Cardiovascular phenotype. Identifiers: MedGen CN230736.

Submission:

Ambry Genetics
Classification: Likely pathogenic for Cardiovascular phenotype. Last evaluated: 2025-07-25. Review status: criteria provided, single submitter. Criteria: Ambry Variant Classification Scheme 2023. Collection method: clinical testing. Allele origin: germline.
Comment: The c.39411delC variant, located in coding exon 143 of the TTN gene, results from a deletion of one nucleotide at nucleotide position 39411, causing a translational frameshift with a predicted alternate stop codon (p.W13138Gfs*2). This exon is located in the A-band region of the N2-B isoform of the titin protein and is constitutively expressed in TTN transcripts (percent spliced in or PSI 100%). This variant is considered to be rare based on population cohorts in the Genome Aggregation Database (gnomAD). This variant is expected to result in loss of function by premature protein truncation or nonsense-mediated mRNA decay. While truncating variants in TTN are present in 1-3% of the general population, truncating variants in the A-band are the most common cause of dilated cardiomyopathy (Herman DS et al. N. Engl. J. Med., 2012 Feb;366:619-28; Roberts AM et al. Sci Transl Med, 2015 Jan;7:270ra6). TTN truncating variants encoded in constitutive exons (PSI >90%) have been found to be significantly associated with DCM regardless of their position in titin (Schafer S et al. Nat. Genet., 2017 01;49:46-53; Akhtar MM et al. Circ Heart Fail, 2020 Oct;13:e006832; Massier M et al. Clin Genet, 2025 Jan). Based on the majority of available evidence to date, this variant is likely to be pathogenic.